The following is an entry in ClinVar:

ClinVar aggregate classification (germline): Likely benign (0 of 4 stars; one submission).

Conditions:
MECOM-related disorder. Also called: MECOM-related condition.

Allele frequency attached by ClinVar (database versions not stated): gnomAD exomes below 0.00001.
gnomAD v4.1: 3 of 1,611,460 alleles (0.00019%); highest among the groups gnomAD compares: Non-Finnish European, 0.00025%; no homozygotes.

Submission:

PreventionGenetics, part of Exact Sciences
Classification: Likely benign for MECOM-related condition. Last evaluated: 2021-03-17. Review status: no assertion criteria provided. Collection method: clinical testing. Allele origin: germline.
Comment: This variant is classified as likely benign based on ACMG/AMP sequence variant interpretation guidelines (Richards et al. 2015 PMID: 25741868, with internal and published modifications).

NM_004991.4(MECOM):c.465C>T (p.Gly155=)

Gene: MECOM (MDS1 and EVI1 complex locus; minus strand). Cytogenetic location: 3q26.2.
Variant type: single nucleotide variant.
Coding change: c.465C>T on transcript NM_004991.4 (MANE Select); coding-DNA position 465, C replaced by T.
Protein change: p.Gly155=; no amino-acid change (glycine 155 retained).
Molecular consequence: synonymous variant. On other transcripts: 5 prime UTR variant (12).
Genome position (GRCh38, 1-based): chr3:169,143,743, G>A on the plus strand (C>T on the coding strand, the complement: MECOM is on the minus strand). VCF-style: chr3-169143743-G-A. GRCh37 (hg19) VCF-style: chr3-168861531-G-A.
Other names: c.93C>T, p.Gly31= (NM_001105077.4); c.-100C>T (NM_001105078.4, NM_001163999.2, NM_001164000.2 and 9 more transcripts); c.465C>T, p.Gly155= (NM_001366466.2, NM_001366473.2).
Identifiers: ClinVar variation 3030537 (VCV003030537.2), dbSNP rs2549590892, ClinGen allele CA436707187.
Genomic context (GRCh38, chr3:169,143,743, plus strand): 5'-ATCTTTACAACATACCTGATCATTTATCTGGCATGCAACAAGGTTGTGCTGATCATAACA[G>A]CCAGCGAATCTAATGTACTTGAGCCAGCTTCCAACATCTGGTTGACTGGCATCTATGCAG-3'
Protein context (NP_004982.2, residues 145-165): GSWLKYIRFA[Gly155=]CYDQHNLVAC